The following is an entry in ClinVar:

ClinVar aggregate classification (germline): Likely benign. Review status: criteria provided, multiple submitters, no conflicts (2 of 4 stars). 2 submissions from 2 submitters: Likely benign (2). Last evaluated 2018-06-19.

Allele frequency attached by ClinVar (database versions not stated): 1000 Genomes Project 30x 0.00333; TOPMed 0.01091; gnomAD 0.01146 and 0.01152; 1000 Genomes Project 0.01536; gnomAD exomes 0.02022.
gnomAD v4.1: 11,634 of 619,745 alleles (1.9%); highest among the groups gnomAD compares: Middle Eastern, 6.2%; 85 homozygotes.

Submissions (2):

GeneDx
Classification: Likely benign. Last evaluated: 2018-06-19. Review status: criteria provided, single submitter. Criteria: GeneDx Variant Classification (06012015). Collection method: clinical testing. Allele origin: germline. Affected: yes.
Comment: This variant is considered likely benign or benign based on one or more of the following criteria: it is a conservative change, it occurs at a poorly conserved position in the protein, it is predicted to be benign by multiple in silico algorithms, and/or has population frequency not consistent with disease.

Breakthrough Genomics
Classification: Likely benign. Review status: criteria provided, single submitter. Criteria: ACMG Guidelines, 2015. Collection method: not provided. Allele origin: germline. Inheritance: X-linked inheritance. Affected: yes.

NM_004006.3(DMD):c.6118-63A>T

Gene: DMD (dystrophin; minus strand). Cytogenetic location: Xp21.1.
Variant type: single nucleotide variant.
Coding change: c.6118-63A>T on transcript NM_004006.3 (MANE Select); 63 bases into the intron before coding-DNA position 6118, A replaced by T.
Molecular consequence: intron variant.
Genome position (GRCh38, 1-based): chrX:32,287,764, T>A on the plus strand (A>T on the coding strand, the complement: DMD is on the minus strand). VCF-style: chrX-32287764-T-A. GRCh37 (hg19) VCF-style: chrX-32305881-T-A.
Other names: c.6094-63A>T (NM_000109.4); c.2095-63A>T (NM_004011.4); c.2086-63A>T (NM_004012.4); c.6106-63A>T (NM_004009.3); c.5749-63A>T (NM_004010.3).
Identifiers: ClinVar variation 673005 (VCV000673005.2), dbSNP rs72468612, ClinGen allele CA328529837.